The following is an entry in ClinVar:

NM_001033046.4(CYBC1):c.124G>A (p.Gly42Arg)

Gene: CYBC1 (cytochrome b-245 chaperone 1; minus strand). Cytogenetic location: 17q25.3.
Variant type: single nucleotide variant.
Coding change: c.124G>A on transcript NM_001033046.4 (MANE Select); coding-DNA position 124, G replaced by A.
Protein change: p.Gly42Arg; replaces glycine 42 with arginine.
Molecular consequence: missense variant. On other transcripts: non-coding transcript variant (2), intron variant (1).
Genome position (GRCh38, 1-based): chr17:82,447,583, C>T on the plus strand (G>A on the coding strand, the complement: CYBC1 is on the minus strand). VCF-style: chr17-82447583-C-T. GRCh37 (hg19) VCF-style: chr17-80405459-C-T.
Other names: c.124G>A, p.Gly42Arg (NM_001100407.3, NM_001193653.2, NM_001193654.2 and 2 more transcripts); c.86-887G>A (NM_001100408.3); short protein forms G42R.
Identifiers: ClinVar variation 1682732 (VCV001682732.6), dbSNP rs142773924, ClinGen allele CA8858384.
Genomic context (GRCh38, chr17:82,447,583, plus strand): 5'-CTCTGTTTTCCAAACAGCTGAGACAGTCATGGGGGGGTGGGGCGGGGGGTGCTTTACCTC[C>T]GCTGTAGTAGGCAGCAGCCAGGCCAATCGACAAGATTCCTATGAAGAGAAAGTGACTGCC-3'
Protein context (NP_001028218.1, residues 32-52): SIGLAAAYYS[Gly42Arg]DSLGWKLFYV

ClinVar aggregate classification (germline): Uncertain significance (1 of 4 stars; one submission).

Allele frequency attached by ClinVar (database versions not stated): gnomAD exomes 0.00002; gnomAD 0.00003; TOPMed 0.00004; 1000 Genomes Project 0.00020; 1000 Genomes Project 30x 0.00031.
gnomAD v4.1: 35 of 1,601,186 alleles (0.0022%); highest among the groups gnomAD compares: East Asian, 0.043%; 1 homozygote.

Submission:

Labcorp Genetics (formerly Invitae), Labcorp
Classification: Uncertain significance. Last evaluated: 2022-07-19. Review status: criteria provided, single submitter. Criteria: Invitae Variant Classification Sherloc (09022015). Collection method: clinical testing. Allele origin: germline.
Comment: This sequence change replaces glycine, which is neutral and non-polar, with arginine, which is basic and polar, at codon 42 of the C17orf62 protein (p.Gly42Arg). This variant is present in population databases (rs142773924, gnomAD 0.1%). This variant has not been reported in the literature in individuals affected with C17orf62-related conditions. ClinVar contains an entry for this variant (Variation ID: 1682732). Algorithms developed to predict the effect of missense changes on protein structure and function are either unavailable or do not agree on the potential impact of this missense change (SIFT: "Deleterious"; PolyPhen-2: "Possibly Damaging"; Align-GVGD: "Class C0"). Algorithms developed to predict the effect of sequence changes on RNA splicing suggest that this variant may create or strengthen a splice site. In summary, the available evidence is currently insufficient to determine the role of this variant in disease. Therefore, it has been classified as a Variant of Uncertain Significance.